The following is an entry in ClinVar:

NM_001276270.2(MBD4):c.420_421delinsGA (p.Asp140_Phe141delinsGluIle)

Gene: MBD4 (methyl-CpG binding domain 4, DNA glycosylase; minus strand). Cytogenetic location: 3q21.3.
Variant type: Indel.
Coding change: c.420_421delinsGA on transcript NM_001276270.2 (MANE Select); coding-DNA positions 420 to 421, TT replaced by GA.
Protein change: p.Asp140_Phe141delinsGluIle.
Molecular consequence: missense variant. On other transcripts: intron variant (1).
Genome position (GRCh38, 1-based): chr3:129,437,223-129,437,224, AA replaced by TC on the plus strand (TT replaced by GA on the coding strand, the reverse complement: MBD4 is on the minus strand). VCF-style: chr3-129437223-AA-TC. GRCh37 (hg19) VCF-style: chr3-129156066-AA-TC.
Other names: c.420_421delTTinsGA (NM_001276270.2); c.420_421delinsGA, p.Asp140_Phe141delinsGluIle (NM_001276271.2, NM_001276272.2, NM_003925.3); c.247+584_247+585delinsGA (NM_001276273.2).
Identifiers: ClinVar variation 5024006 (VCV005024006.1).

ClinVar aggregate classification (germline): Uncertain significance (1 of 4 stars; one submission).

Conditions:
Inborn genetic diseases. Identifiers: MedGen C0950123, MeSH D030342.

Submission:

Ambry Genetics
Classification: Uncertain significance for Inborn genetic diseases. Last evaluated: 2026-06-30. Review status: criteria provided, single submitter. Criteria: Ambry Variant Classification Scheme 2023. Collection method: clinical testing. Allele origin: germline.
Comment: The c.420_421delTTinsGA variant (also known as p.D140_F141delinsEI), located in coding exon 3 of the MBD4 gene, results from an in-frame deletion of TT and insertion of GA at nucleotide positions 420 to 421. This results in an in-frame deletion of 2 residues (DF) and insertion of two new residues (EI) at codons 140 and 141. These amino acid positions are highly conserved in available vertebrate species. In addition, the in silico prediction for this variant is inconclusive (Choi Y et al. PLoS ONE. 2012; 7(10):e46688). Based on the available evidence, the clinical significance of this variant remains unclear.